The following is an entry in ClinVar:

NM_002907.4(RECQL):c.673A>T (p.Ser225Cys)

Gene: RECQL (RecQ like helicase; minus strand). Cytogenetic location: 12p12.1.
Variant type: single nucleotide variant.
Coding change: c.673A>T on transcript NM_002907.4 (MANE Select); coding-DNA position 673, A replaced by T.
Protein change: p.Ser225Cys; replaces serine 225 with cysteine.
Molecular consequence: missense variant.
Genome position (GRCh38, 1-based): chr12:21,483,403, T>A on the plus strand (A>T on the coding strand, the complement: RECQL is on the minus strand). VCF-style: chr12-21483403-T-A. GRCh37 (hg19) VCF-style: chr12-21636337-T-A.
Other names: c.673A>T, p.Ser225Cys (NM_032941.3); short protein forms S225C.
Identifiers: ClinVar variation 1755176 (VCV001755176.3), dbSNP rs2540374405, ClinGen allele CA384126756.

ClinVar aggregate classification (germline): Uncertain significance (1 of 4 stars; one submission).

Allele frequency attached by ClinVar (database versions not stated): gnomAD exomes below 0.00001.

Submission:

Ambry Genetics
Classification: Uncertain significance. Last evaluated: 2022-12-13. Review status: criteria provided, single submitter. Criteria: Ambry Variant Classification Scheme 2023. Collection method: clinical testing. Allele origin: germline.
Comment: The p.S225C variant (also known as c.673A>T), located in coding exon 5 of the RECQL gene, results from an A to T substitution at nucleotide position 673. The serine at codon 225 is replaced by cysteine, an amino acid with dissimilar properties. This amino acid position is highly conserved in available vertebrate species. In addition, this alteration is predicted to be deleterious by in silico analysis. Since supporting evidence is limited at this time, the clinical significance of this alteration remains unclear.